The following is an entry in ClinVar:

ClinVar aggregate classification (germline): Uncertain significance (1 of 4 stars; one submission).

Conditions:
Bardet-Biedl syndrome (BBS). Identifiers: Orphanet 110, MedGen C0752166, MONDO:0015229.

Submission:

Labcorp Genetics (formerly Invitae), Labcorp
Classification: Uncertain significance for Bardet-Biedl syndrome. Last evaluated: 2023-07-03. Review status: criteria provided, single submitter. Criteria: Invitae Variant Classification Sherloc (09022015). Collection method: clinical testing. Allele origin: germline.
Comment: This variant is not present in population databases (gnomAD no frequency). In summary, the available evidence is currently insufficient to determine the role of this variant in disease. Therefore, it has been classified as a Variant of Uncertain Significance. Experimental studies and prediction algorithms are not available or were not evaluated, and the functional significance of this variant is currently unknown. ClinVar contains an entry for this variant (Variation ID: 1467815). This variant has been observed in individual(s) with clinical features of Bardet-Biedl syndrome (Invitae). This variant, c.524_526del, results in the deletion of 1 amino acid(s) of the BBS10 protein (p.Glu175del), but otherwise preserves the integrity of the reading frame.

NM_024685.4(BBS10):c.524_526del (p.Glu175del)

Gene: BBS10 (Bardet-Biedl syndrome 10; minus strand). Cytogenetic location: 12q21.2.
Variant type: Deletion.
Coding change: c.524_526del on transcript NM_024685.4 (MANE Select); coding-DNA positions 524 to 526, 3 bases deleted (AAG; older notation c.524_526delAAG).
Protein change: p.Glu175del; deletes glutamic acid 175.
Molecular consequence: inframe deletion.
Genome position (GRCh38, 1-based): chr12:76,347,459-76,347,461, CTT deleted on the plus strand (AAG on the coding strand, the reverse complement: BBS10 is on the minus strand); deleting any 3 consecutive bases within chr12:76,347,459-76,347,463 gives the same sequence; the c. name uses the placement nearest the transcript's 3' end. VCF-style (leftmost placement, unchanged base first): chr12-76347458-GCTT-G. GRCh37 (hg19) VCF-style: chr12-76741238-GCTT-G.
Other names: short protein forms E175del.
Identifiers: ClinVar variation 1467815 (VCV001467815.8), dbSNP rs2136091044, ClinGen allele CA2573148994.